The following is an entry in ClinVar:

NM_016239.4(MYO15A):c.10085G>A (p.Arg3362Gln)

Gene: MYO15A (myosin XVA; plus strand). Cytogenetic location: 17p11.2.
Variant type: single nucleotide variant.
Coding change: c.10085G>A on transcript NM_016239.4 (MANE Select); coding-DNA position 10085, G replaced by A.
Protein change: p.Arg3362Gln; replaces arginine 3362 with glutamine.
Molecular consequence: missense variant.
Genome position (GRCh38, 1-based): chr17:18,171,640, G>A. VCF-style: chr17-18171640-G-A. GRCh37 (hg19) VCF-style: chr17-18074954-G-A.
Other names: short protein forms R3362Q.
Identifiers: ClinVar variation 3297677 (VCV003297677.2).

ClinVar aggregate classification (germline): Uncertain significance. Review status: criteria provided, multiple submitters, no conflicts (2 of 4 stars). 2 submissions from 2 submitters: Uncertain significance (2). Last evaluated 2024-10-10.

Conditions:
Inborn genetic diseases. Identifiers: MedGen C0950123, MeSH D030342.

gnomAD v4.1: 13 of 1,613,896 alleles (0.00081%); highest among the groups gnomAD compares: East Asian, 0.0022%; no homozygotes.

Submissions (2):

GeneDx
Classification: Uncertain significance. Last evaluated: 2024-10-10. Review status: criteria provided, single submitter. Criteria: GeneDx Variant Classification Process June 2021. Collection method: clinical testing. Allele origin: germline. Affected: yes.
Comment: Not observed at significant frequency in large population cohorts (gnomAD); In silico analysis indicates that this missense variant does not alter protein structure/function; Has not been previously published as pathogenic or benign to our knowledge; In silico analysis suggests this variant may impact gene splicing; in the absence of RNA/functional studies the actual effect of this sequence change is unknown

Ambry Genetics
Classification: Uncertain significance for Inborn genetic diseases. Last evaluated: 2024-04-24. Review status: criteria provided, single submitter. Criteria: Ambry Variant Classification Scheme 2023. Collection method: clinical testing. Allele origin: germline.